The following is an entry in ClinVar:

ClinVar aggregate classification (germline): Uncertain significance (1 of 4 stars; one submission).

Conditions:
Familial cancer of breast. Also called: hereditary breast carcinoma; Hereditary breast cancer; BREAST CANCER, FAMILIAL. Identifiers: Orphanet 227535, MedGen C0346153, MONDO:0016419, OMIM 114480. Disease mechanism: loss of function.

Submission:

Labcorp Genetics (formerly Invitae), Labcorp
Classification: Uncertain significance for Familial cancer of breast. Last evaluated: 2021-05-18. Review status: criteria provided, single submitter. Criteria: Invitae Variant Classification Sherloc (09022015). Collection method: clinical testing. Allele origin: germline.
Comment: This sequence change replaces leucine with arginine at codon 99 of the CHEK2 protein (p.Leu99Arg). The leucine residue is highly conserved and there is a moderate physicochemical difference between leucine and arginine. This variant is not present in population databases (ExAC no frequency). In summary, the available evidence is currently insufficient to determine the role of this variant in disease. Therefore, it has been classified as a Variant of Uncertain Significance. Algorithms developed to predict the effect of missense changes on protein structure and function (SIFT, PolyPhen-2, Align-GVGD) all suggest that this variant is likely to be disruptive, but these predictions have not been confirmed by published functional studies and their clinical significance is uncertain. This variant has not been reported in the literature in individuals with CHEK2-related conditions.

NM_007194.4(CHEK2):c.296T>G (p.Leu99Arg)

Gene: CHEK2 (checkpoint kinase 2; minus strand). Cytogenetic location: 22q12.1.
Variant type: single nucleotide variant.
Coding change: c.296T>G on transcript NM_007194.4 (MANE Select); coding-DNA position 296, T replaced by G.
Protein change: p.Leu99Arg; replaces leucine 99 with arginine.
Molecular consequence: missense variant.
Genome position (GRCh38, 1-based): chr22:28,734,426, A>C on the plus strand (T>G on the coding strand, the complement: CHEK2 is on the minus strand). VCF-style: chr22-28734426-A-C. GRCh37 (hg19) VCF-style: chr22-29130414-A-C.
Other names: c.296T>G, p.Leu99Arg (NM_001005735.3, NM_001349956.3, NM_145862.3); c.-482T>G (NM_001257387.3); short protein forms L99R.
Identifiers: ClinVar variation 1354885 (VCV001354885.9), dbSNP rs786201193, ClinGen allele CA411090288.